The following is an entry in ClinVar:

ClinVar aggregate classification (germline): Pathogenic. Review status: criteria provided, multiple submitters, no conflicts (2 of 4 stars). 8 submissions from 8 submitters: Pathogenic (7). 1 of the submissions does not count toward it. Last evaluated 2024-07-22.

Conditions:
Holocarboxylase synthetase deficiency. Also called: MULTIPLE CARBOXYLASE DEFICIENCY, EARLY ONSET. Identifiers: Orphanet 79242, MedGen C0268581, MONDO:0009666, OMIM 253270.

Allele frequency attached by ClinVar (database versions not stated): ExAC 0.00001; gnomAD 0.00002 and 0.00003; gnomAD exomes 0.00002; TOPMed 0.00003.
gnomAD v4.1: 25 of 1,607,176 alleles (0.0016%); highest among the groups gnomAD compares: East Asian, 0.0089%; no homozygotes.

Submissions (8):

Natera, Inc.
Classification: Pathogenic for Holocarboxylase synthetase deficiency. Last evaluated: 2024-07-22. Review status: criteria provided, single submitter. Criteria: Natera Variant Classification Schema (03/2026). Collection method: clinical testing. Allele origin: germline.
Comment: The c.1693C>T variant in HLCS is a nonsense variant predicted to introduce a stop codon at amino acid 565. This variant is expected to result in nonsense mediated decay, truncation, or a dysfunctional protein product. This variant is rare in the general population with a frequency below the threshold expected for the associated phenotype(s). This variant has been observed in one or more individuals affected with the associated recessive disease, as either homozygous or compound heterozygous with a second variant (PMID: 11735028). Given the available evidence, this variant is classified as Pathogenic.

Laboratory of Medical Genetics, National & Kapodistrian University of Athens
Classification: Pathogenic for Holocarboxylase synthetase deficiency. Last evaluated: 2024-02-01. Review status: criteria provided, single submitter. Criteria: ACMG Guidelines, 2015. Collection method: curation. Allele origin: germline. Affected: no.

Labcorp Genetics (formerly Invitae), Labcorp
Classification: Pathogenic for Holocarboxylase synthetase deficiency. Last evaluated: 2023-06-12. Review status: criteria provided, single submitter. Criteria: Invitae Variant Classification Sherloc (09022015). Collection method: clinical testing. Allele origin: germline.
Comment: For these reasons, this variant has been classified as Pathogenic. ClinVar contains an entry for this variant (Variation ID: 426486). This premature translational stop signal has been observed in individual(s) with holocarboxylase synthetase deficiency (PMID: 9870216). This variant is present in population databases (rs772791252, gnomAD 0.007%). This sequence change creates a premature translational stop signal (p.Arg565*) in the HLCS gene. It is expected to result in an absent or disrupted protein product. Loss-of-function variants in HLCS are known to be pathogenic (PMID: 16134170).

Fulgent Genetics
Classification: Pathogenic for Holocarboxylase synthetase deficiency. Last evaluated: 2022-01-31. Review status: criteria provided, single submitter. Criteria: ACMG Guidelines, 2015. Collection method: clinical testing. Allele origin: unknown.

Revvity Omics, Revvity
Classification: Pathogenic for Holocarboxylase synthetase deficiency. Last evaluated: 2021-10-06. Review status: criteria provided, single submitter. Criteria: ACMG Guidelines, 2015. Collection method: clinical testing. Allele origin: germline.

Women's Health and Genetics/Laboratory Corporation of America, LabCorp
Classification: Pathogenic for Holocarboxylase synthetase deficiency. Last evaluated: 2018-08-03. Review status: criteria provided, single submitter. Criteria: LabCorp Variant Classification Summary - May 2015. Collection method: clinical testing. Allele origin: germline.
Comment: Variant summary: HLCS c.1693C>T (p.Arg565X) results in a premature termination codon, predicted to cause a truncation of the encoded protein or absence of the protein due to nonsense mediated decay, which are commonly known mechanisms for disease. The variant allele was found at a frequency of 2e-05 in 246268 control chromosomes. c.1693C>T has been reported in the literature in individuals affected with Holocarboxylase Synthetase Deficiency (Sakamoto 1998, Tang 2003, Donti 2016). These data indicate that the variant may be associated with disease. At least one publication reports experimental evidence evaluating an impact on protein function. The most pronounced variant effect results in 10%-<30% of normal activity (Sakamoto_1998). One clinical diagnostic laboratory has submitted clinical-significance assessments for this variant to ClinVar after 2014 without evidence for independent evaluation, and classified the variant as pathogenic. Based on the evidence outlined above, the variant was classified as pathogenic.

GeneDx
Classification: Pathogenic. Last evaluated: 2017-04-14. Review status: criteria provided, single submitter. Criteria: GeneDx Variant Classification (06012015). Collection method: clinical testing. Allele origin: germline. Affected: yes.
Comment: The R565X nonsense variant in the HLCS gene has been reported previously in association with holocarboxylase synthetase deciency in several unrelated individuals who were heterozygous for R565X and another variant in the HLCS gene (Sakamoto et al., 1998; Tang et al., 2003; Donti et al., 2016). This pathogenic variant is predicted to cause loss of normal protein function either through protein truncation or nonsense-mediated mRNA decay.

Counsyl
Classification: Pathogenic for Holocarboxylase synthetase deficiency. Last evaluated: 2017-08-18. Review status: no assertion criteria provided. Collection method: clinical testing. Allele origin: unknown. Not counted in ClinVar's aggregate classification.

Literature cited by the submitters: PubMed 11735028 (cited by Natera, Inc.); PubMed 9870216 (cited by 3 submitters); PubMed 16134170 (cited by Labcorp Genetics (formerly Invitae), Labcorp); PubMed 12633764 (cited by Women's Health and Genetics/Laboratory Corporation of America, LabCorp and Counsyl); PubMed 27114915 (cited by Women's Health and Genetics/Laboratory Corporation of America, LabCorp and Counsyl); PubMed 25525159 (cited by Counsyl).

NM_001352514.2(HLCS):c.2134C>T (p.Arg712Ter)

Gene: HLCS (holocarboxylase synthetase; minus strand). Cytogenetic location: 21q22.13.
Variant type: single nucleotide variant.
Coding change: c.2134C>T on transcript NM_001352514.2 (MANE Select); coding-DNA position 2134, C replaced by T.
Protein change: p.Arg712Ter; replaces arginine 712 with a stop codon.
Molecular consequence: nonsense. On other transcripts: non-coding transcript variant (2).
Genome position (GRCh38, 1-based): chr21:36,759,829, G>A on the plus strand (C>T on the coding strand, the complement: HLCS is on the minus strand). VCF-style: chr21-36759829-G-A. GRCh37 (hg19) VCF-style: chr21-38132130-G-A.
Other names: c.1693C>T (NM_000411.7); c.1693C>T, p.Arg565Ter (NM_000411.8, NM_001242784.3, NM_001242785.2 and 4 more transcripts); short protein forms R565*, R712*.
Identifiers: ClinVar variation 426486 (VCV000426486.24), dbSNP rs772791252, ClinGen allele CA10020346.